The following is an entry in ClinVar:

NM_000384.3(APOB):c.3382C>T (p.Arg1128Cys)

Gene: APOB (apolipoprotein B; minus strand). Cytogenetic location: 2p24.1.
Variant type: single nucleotide variant.
Coding change: c.3382C>T on transcript NM_000384.3 (MANE Select); coding-DNA position 3382, C replaced by T.
Protein change: p.Arg1128Cys; replaces arginine 1128 with cysteine.
Molecular consequence: missense variant.
Genome position (GRCh38, 1-based): chr2:21,015,496, G>A on the plus strand (C>T on the coding strand, the complement: APOB is on the minus strand). VCF-style: chr2-21015496-G-A. GRCh37 (hg19) VCF-style: chr2-21238368-G-A.
Other names: short protein forms R1128C.
Identifiers: ClinVar variation 695322 (VCV000695322.49), dbSNP rs72653076, ClinGen allele CA058700.

ClinVar aggregate classification (germline): Conflicting classifications of pathogenicity. Review status: criteria provided, conflicting classifications (1 of 4 stars). 6 submissions from 6 submitters: Uncertain significance (2); Likely benign (4). Last evaluated 2026-03-19.

Conditions:
Hypercholesterolemia, autosomal dominant, type B (FHCL2). Also called: Familial Hypercholesterolemia Type B; Hyperlipoproteinemia Type IIb; APOB-Related Familial Hypercholesterolemia, Autosomal Dominant; HYPERCHOLESTEROLEMIA, FAMILIAL, DUE TO LIGAND-DEFECTIVE APOLIPOPROTEIN B; APOLIPOPROTEIN B-100, FAMILIAL DEFECTIVE; APOLIPOPROTEIN B-100, FAMILIAL LIGAND-DEFECTIVE. Identifiers: MedGen C1704417, MONDO:0007751, OMIM 144010.
Familial hypobetalipoproteinemia 1. Also called: Hypobetalipoproteinemia, normotriglyceridemic; Acanthocytosis with hypobetalipoproteinemia; APOB-Related Familial Hypobetalipoproteinemia. Identifiers: MedGen C4551990, MONDO:0014252, OMIM 615558.
Cardiovascular phenotype. Identifiers: MedGen CN230736.

Allele frequency attached by ClinVar (database versions not stated): gnomAD exomes 0.00004 and 0.00011; ExAC 0.00012; TOPMed 0.00031; gnomAD 0.00036 and 0.00039; 1000 Genomes Project 0.00040; 1000 Genomes Project 30x 0.00062; ESP Exome Variant Server 0.00069.
gnomAD v4.1: 131 of 1,614,006 alleles (0.0081%); highest among the groups gnomAD compares: African/African-American, 0.12%; no homozygotes.

Submissions (6):

Ambry Genetics
Classification: Likely benign for Cardiovascular phenotype. Last evaluated: 2026-03-19. Review status: criteria provided, single submitter. Criteria: Ambry Variant Classification Scheme 2023. Collection method: clinical testing. Allele origin: germline.

Labcorp Genetics (formerly Invitae), Labcorp
Classification: Likely benign for Familial hypobetalipoproteinemia 1; Hypercholesterolemia, autosomal dominant, type B. Last evaluated: 2026-01-05. Review status: criteria provided, single submitter. Criteria: Invitae Variant Classification Sherloc (09022015). Collection method: clinical testing. Allele origin: germline.

Quest Diagnostics Nichols Institute San Juan Capistrano
Classification: Uncertain significance. Last evaluated: 2025-04-07. Review status: criteria provided, single submitter. Criteria: Quest Diagnostics criteria. Collection method: clinical testing. Allele origin: unknown.
Comment: The APOB c.3382C>T (p.Arg1128Cys) variant has not been reported in individuals with APOB-related conditions in the published literature. However, it has been detected in an individual with hereditary breast and/or ovarian cancer (PMID: 27153395 (2016)). The frequency of this variant in the general population (Genome Aggregation Database) is higher than would generally be expected for pathogenic variants in this gene. Analysis of this variant using bioinformatics tools for the prediction of the effect of amino acid changes on protein structure and function yielded predictions that this variant is damaging. Based on the available information, we are unable to determine the clinical significance of this variant.

Women's Health and Genetics/Laboratory Corporation of America, LabCorp
Classification: Likely benign. Last evaluated: 2024-04-08. Review status: criteria provided, single submitter. Criteria: LabCorp Variant Classification Summary - May 2015. Collection method: clinical testing. Allele origin: germline.

Revvity Omics, Revvity
Classification: Uncertain significance. Last evaluated: 2023-11-06. Review status: criteria provided, single submitter. Criteria: ACMG Guidelines, 2015. Collection method: clinical testing. Allele origin: germline.

CeGaT Center for Human Genetics Tuebingen
Classification: Likely benign. Last evaluated: 2022-12-01. Review status: criteria provided, single submitter. Criteria: CeGaT Center For Human Genetics Tuebingen Variant Classification Criteria Version 2. Collection method: clinical testing. Allele origin: germline. Affected: yes. Observed: 1 variant allele.
Comment: APOB: BP4

Literature cited by the submitters: PubMed 27153395 (cited by Quest Diagnostics Nichols Institute San Juan Capistrano).